The following is an entry in ClinVar:

NM_020911.2(PLXNA4):c.1371+8T>C

Gene: PLXNA4 (plexin A4; minus strand). Cytogenetic location: 7q32.3.
Variant type: single nucleotide variant.
Coding change: c.1371+8T>C on transcript NM_020911.2 (MANE Select); 8 bases into the intron after coding-DNA position 1371, T replaced by C.
Molecular consequence: intron variant.
Genome position (GRCh38, 1-based): chr7:132,489,284, A>G on the plus strand (T>C on the coding strand, the complement: PLXNA4 is on the minus strand). VCF-style: chr7-132489284-A-G. GRCh37 (hg19) VCF-style: chr7-132174043-A-G.
Other names: c.1371+8T>C (NM_001393897.1, NM_001105543.2, NM_181775.4).
Identifiers: ClinVar variation 3051296 (VCV003051296.2), dbSNP rs766708627, ClinGen allele CA4490298.

ClinVar aggregate classification (germline): Likely benign (0 of 4 stars; one submission).

Conditions:
PLXNA4-related disorder. Also called: PLXNA4-related condition.

Allele frequency attached by ClinVar (database versions not stated): TOPMed 0.00001; gnomAD 0.00003; gnomAD exomes 0.00004; ExAC 0.00010.
gnomAD v4.1: 57 of 1,580,076 alleles (0.0036%); highest among the groups gnomAD compares: South Asian, 0.059%; no homozygotes.

Submission:

PreventionGenetics, part of Exact Sciences
Classification: Likely benign for PLXNA4-related condition. Last evaluated: 2023-07-23. Review status: no assertion criteria provided. Collection method: clinical testing. Allele origin: germline.
Comment: This variant is classified as likely benign based on ACMG/AMP sequence variant interpretation guidelines (Richards et al. 2015 PMID: 25741868, with internal and published modifications).